The following is an entry in ClinVar:

NM_014249.4(NR2E3):c.1000C>T (p.Arg334Trp)

Gene: NR2E3 (nuclear receptor subfamily 2 group E member 3; plus strand). Cytogenetic location: 15q23.
Variant type: single nucleotide variant.
Coding change: c.1000C>T on transcript NM_014249.4 (MANE Select); coding-DNA position 1000, C replaced by T.
Protein change: p.Arg334Trp; replaces arginine 334 with tryptophan.
Molecular consequence: missense variant.
Genome position (GRCh38, 1-based): chr15:71,814,017, C>T. VCF-style: chr15-71814017-C-T. GRCh37 (hg19) VCF-style: chr15-72106358-C-T.
Other names: c.1000C>T, p.Arg334Trp (NM_016346.4); c.1000C>T (NM_014249.3); short protein forms R334W.
Identifiers: ClinVar variation 2201887 (VCV002201887.5), dbSNP rs371402963, ClinGen allele CA7640472.
Genomic context (GRCh38, chr15:71,814,017, plus strand): 5'-AGCCTTATAACAGCCGTAAACCTGTGCTAAGCTCACTGGTGCTGCTTCTCCCCAGAGACG[C>T]GGGGCCTGAAGGATCCTGAGCACGTAGAGGCCTTGCAGGACCAGTCCCAAGTGATGCTGA-3'
Protein context (NP_055064.1, residues 324-344): KALVLFKPET[Arg334Trp]GLKDPEHVEA

ClinVar aggregate classification (germline): Uncertain significance. Review status: criteria provided, multiple submitters, no conflicts (2 of 4 stars). 3 submissions from 3 submitters: Uncertain significance (3). Last evaluated 2026-01-23.

Conditions:
NR2E3-related disorder. Also called: NR2E3-related condition; NR2E3-related disorders. Identifiers: MedGen CN239387.

Allele frequency attached by ClinVar (database versions not stated): ESP Exome Variant Server 0.00008; ExAC 0.00014; gnomAD 0.00016; TOPMed 0.00020.

Submissions (3):

Labcorp Genetics (formerly Invitae), Labcorp
Classification: Uncertain significance. Last evaluated: 2026-01-23. Review status: criteria provided, single submitter. Criteria: Invitae Variant Classification Sherloc (09022015). Collection method: clinical testing. Allele origin: germline.
Comment: This sequence change replaces arginine, which is basic and polar, with tryptophan, which is neutral and slightly polar, at codon 334 of the NR2E3 protein (p.Arg334Trp). This variant is present in population databases (rs371402963, gnomAD 0.02%). This missense change has been observed in individual(s) with clinical features of NR2E3-related conditions (PMID: 25703721, 37628579). ClinVar contains an entry for this variant (Variation ID: 2201887). Invitae Evidence Modeling of protein sequence and biophysical properties (such as structural, functional, and spatial information, amino acid conservation, physicochemical variation, residue mobility, and thermodynamic stability) indicates that this missense variant is expected to disrupt NR2E3 protein function with a positive predictive value of 80%. In summary, the available evidence is currently insufficient to determine the role of this variant in disease. Therefore, it has been classified as a Variant of Uncertain Significance.

PreventionGenetics, part of Exact Sciences
Classification: Uncertain significance for NR2E3-related condition. Last evaluated: 2025-11-24. Review status: criteria provided, single submitter. Criteria: ACMG Guidelines, 2015. Collection method: clinical testing. Allele origin: germline.
Comment: The NR2E3 c.1000C>T variant is predicted to result in the amino acid substitution p.Arg334Trp. This variant has been reported, along with a second potentially causative variant, in an individual with autosomal recessive retinal disease (Xiao et al. 2023. PubMed ID: 37628579). This variant is reported in 0.023% of alleles in individuals of European (Non-Finnish) descent in gnomAD. At this time, the clinical significance of this variant is uncertain due to the absence of conclusive functional and genetic evidence.

Blueprint Genetics
Classification: Uncertain significance. Last evaluated: 2024-05-16. Review status: criteria provided, single submitter. Criteria: ACMG Guidelines, 2015. Collection method: clinical testing. Allele origin: germline.

Literature cited by the submitters: PubMed 25703721 (cited by Labcorp Genetics (formerly Invitae), Labcorp); PubMed 37628579 (cited by Labcorp Genetics (formerly Invitae), Labcorp).